The following is an entry in ClinVar:

ClinVar aggregate classification (germline): Uncertain significance (1 of 4 stars; one submission).

Conditions:
Cohen syndrome (COH1). Also called: PEPPER SYNDROME; Cutis verticis gyrata, retinitis pigmentosa, and sensorineural deafness. Identifiers: Orphanet 193, MedGen C0265223, MONDO:0008999, OMIM 216550.

Allele frequency attached by ClinVar (database versions not stated): ExAC 0.00001; gnomAD exomes 0.00002.
gnomAD v4.1: 11 of 1,614,050 alleles (0.00068%); highest among the groups gnomAD compares: South Asian, 0.012%; 1 homozygote.

Submission:

Labcorp Genetics (formerly Invitae), Labcorp
Classification: Uncertain significance for Cohen syndrome. Last evaluated: 2022-05-13. Review status: criteria provided, single submitter. Criteria: Invitae Variant Classification Sherloc (09022015). Collection method: clinical testing. Allele origin: germline.
Comment: This variant has not been reported in the literature in individuals affected with VPS13B-related conditions. In summary, the available evidence is currently insufficient to determine the role of this variant in disease. Therefore, it has been classified as a Variant of Uncertain Significance. Algorithms developed to predict the effect of missense changes on protein structure and function are either unavailable or do not agree on the potential impact of this missense change (SIFT: "Not Available"; PolyPhen-2: "Benign"; Align-GVGD: "Not Available"). This variant is present in population databases (rs775907223, gnomAD 0.003%). This sequence change replaces valine, which is neutral and non-polar, with alanine, which is neutral and non-polar, at codon 1975 of the VPS13B protein (p.Val1975Ala).

NM_152564.5(VPS13B):c.5849T>C (p.Val1950Ala)

Gene: VPS13B (vacuolar protein sorting 13 homolog B; plus strand). Cytogenetic location: 8q22.2.
Variant type: single nucleotide variant.
Coding change: c.5849T>C on transcript NM_152564.5 (MANE Select); coding-DNA position 5849, T replaced by C.
Protein change: p.Val1950Ala; replaces valine 1950 with alanine.
Molecular consequence: missense variant.
Genome position (GRCh38, 1-based): chr8:99,642,439, T>C. VCF-style: chr8-99642439-T-C. GRCh37 (hg19) VCF-style: chr8-100654667-T-C.
Other names: c.5924T>C, p.Val1975Ala (NM_017890.5); short protein forms V1975A, V1950A.
Identifiers: ClinVar variation 1994179 (VCV001994179.4), dbSNP rs775907223, ClinGen allele CA4823881.